The following is an entry in ClinVar:

NM_033026.6(PCLO):c.12441T>A (p.His4147Gln)

Gene: PCLO (piccolo presynaptic cytomatrix protein; minus strand). Cytogenetic location: 7q21.11.
Variant type: single nucleotide variant.
Coding change: c.12441T>A on transcript NM_033026.6 (MANE Select); coding-DNA position 12441, T replaced by A.
Protein change: p.His4147Gln; replaces histidine 4147 with glutamine.
Molecular consequence: missense variant.
Genome position (GRCh38, 1-based): chr7:82,915,545, A>T on the plus strand (T>A on the coding strand, the complement: PCLO is on the minus strand). VCF-style: chr7-82915545-A-T. GRCh37 (hg19) VCF-style: chr7-82544861-A-T.
Other names: c.12441T>A, p.His4147Gln (NM_014510.3); short protein forms H4147Q.
Identifiers: ClinVar variation 1394627 (VCV001394627.6), dbSNP rs780606978, ClinGen allele CA4319368.

ClinVar aggregate classification (germline): Uncertain significance (1 of 4 stars; one submission).

Allele frequency attached by ClinVar (database versions not stated): gnomAD exomes 0.00001 and below 0.00001; TOPMed 0.00001; ExAC 0.00001; gnomAD 0.00001.
gnomAD v4.1: 10 of 1,613,614 alleles (0.00062%); highest among the groups gnomAD compares: South Asian, 0.0099%; 1 homozygote.

Submission:

Labcorp Genetics (formerly Invitae), Labcorp
Classification: Uncertain significance. Last evaluated: 2025-07-30. Review status: criteria provided, single submitter. Criteria: Invitae Variant Classification Sherloc (09022015). Collection method: clinical testing. Allele origin: germline.
Comment: This sequence change replaces histidine, which is basic and polar, with glutamine, which is neutral and polar, at codon 4147 of the PCLO protein (p.His4147Gln). This variant is present in population databases (rs780606978, gnomAD 0.003%). This variant has not been reported in the literature in individuals affected with PCLO-related conditions. ClinVar contains an entry for this variant (Variation ID: 1394627). Experimental studies and prediction algorithms are not available or were not evaluated, and the functional significance of this variant is currently unknown. In summary, the available evidence is currently insufficient to determine the role of this variant in disease. Therefore, it has been classified as a Variant of Uncertain Significance.